The following is an entry in ClinVar:

ClinVar aggregate classification (germline): Uncertain significance (1 of 4 stars; one submission).

Submission:

GeneDx
Classification: Uncertain significance. Last evaluated: 2022-01-10. Review status: criteria provided, single submitter. Criteria: GeneDx Variant Classification Process June 2021. Collection method: clinical testing. Allele origin: germline. Affected: yes.
Comment: Not observed at significant frequency in large population cohorts (Lek 2006).; In-frame deletion of 2 amino acids and insertion of 1 amino acid in a non-repeat region; In silico analysis supports a deleterious effect on protein structure/function; In silico analysis supports a deleterious effect on splicing; Has not been previously published as pathogenic or benign to our knowledge; This variant is associated with the following publications: (PMID: 27535533)

NM_004187.5(KDM5C):c.145_150delinsTTT (p.Pro49_Ala50delinsPhe)

Gene: KDM5C (lysine demethylase 5C; minus strand). Cytogenetic location: Xp11.22.
Variant type: Indel.
Coding change: c.145_150delinsTTT on transcript NM_004187.5 (MANE Select); coding-DNA positions 145 to 150, CCCGCG replaced by TTT.
Protein change: p.Pro49_Ala50delinsPhe.
Molecular consequence: inframe indel. On other transcripts: non-coding transcript variant (3).
Genome position (GRCh38, 1-based): chrX:53,224,740-53,224,745, CGCGGG replaced by AAA on the plus strand (CCCGCG replaced by TTT on the coding strand, the reverse complement: KDM5C is on the minus strand). VCF-style: chrX-53224740-CGCGGG-AAA. GRCh37 (hg19) VCF-style: chrX-53253922-CGCGGG-AAA.
Other names: c.145_150delinsTTT, p.Pro49_Ala50delinsPhe (NM_001146702.2, NM_001282622.3, NM_001353978.3 and 4 more transcripts).
Identifiers: ClinVar variation 1339612 (VCV001339612.2), dbSNP rs2146978044, ClinGen allele CA2573055357.